The following is an entry in ClinVar:

NM_003482.4(KMT2D):c.4702G>A (p.Ala1568Thr)

Gene: KMT2D (lysine methyltransferase 2D; minus strand). Cytogenetic location: 12q13.12.
Variant type: single nucleotide variant.
Coding change: c.4702G>A on transcript NM_003482.4 (MANE Select); coding-DNA position 4702, G replaced by A.
Protein change: p.Ala1568Thr; replaces alanine 1568 with threonine.
Molecular consequence: missense variant.
Genome position (GRCh38, 1-based): chr12:49,045,959, C>T on the plus strand (G>A on the coding strand, the complement: KMT2D is on the minus strand). VCF-style: chr12-49045959-C-T. GRCh37 (hg19) VCF-style: chr12-49439742-C-T.
Other names: short protein forms A1568T.
Identifiers: ClinVar variation 2175713 (VCV002175713.4), dbSNP rs753470526, ClinGen allele CA6547744.
Genomic context (GRCh38, chr12:49,045,959, plus strand): 5'-TTCAAAATTTCTGTGACTCACCTGGCTCTTTCACCTTCATGGGCACCAGCTCTGGAGGTG[C>T]AACAGGCGCTATGGAGAGAAGGACAAACGGAGGTGGCTGAGGTCCTGTCCCAAAGCAAGG-3'
Protein context (NP_003473.3, residues 1558-1578): PYVVKPVAPV[Ala1568Thr]PPELVPMKVK

ClinVar aggregate classification (germline): Uncertain significance (1 of 4 stars; one submission).

Conditions:
Kabuki syndrome. Also called: NIIKAWA-KUROKI SYNDROME; Kabuki make-up syndrome. Identifiers: Orphanet 2322, MedGen C0796004, MONDO:0016512.

Allele frequency attached by ClinVar (database versions not stated): ExAC 0.00001.

Submission:

Labcorp Genetics (formerly Invitae), Labcorp
Classification: Uncertain significance for Kabuki syndrome. Last evaluated: 2022-07-29. Review status: criteria provided, single submitter. Criteria: Invitae Variant Classification Sherloc (09022015). Collection method: clinical testing. Allele origin: germline.
Comment: In summary, the available evidence is currently insufficient to determine the role of this variant in disease. Therefore, it has been classified as a Variant of Uncertain Significance. Advanced modeling of protein sequence and biophysical properties (such as structural, functional, and spatial information, amino acid conservation, physicochemical variation, residue mobility, and thermodynamic stability) performed at Invitae indicates that this missense variant is not expected to disrupt KMT2D protein function. This variant has not been reported in the literature in individuals affected with KMT2D-related conditions. This variant is present in population databases (rs753470526, gnomAD 0.0009%). This sequence change replaces alanine, which is neutral and non-polar, with threonine, which is neutral and polar, at codon 1568 of the KMT2D protein (p.Ala1568Thr).